The following is an entry in ClinVar:

ClinVar aggregate classification (germline): Uncertain significance (1 of 4 stars; one submission).

Conditions:
DNA ligase IV deficiency. Identifiers: Orphanet 99812, MedGen C1847827, MONDO:0011686, OMIM 606593.

Allele frequency attached by ClinVar (database versions not stated): gnomAD 0.00001; TOPMed 0.00001; ExAC 0.00003; gnomAD exomes 0.00003; 1000 Genomes Project 30x 0.00016; 1000 Genomes Project 0.00020.
gnomAD v4.1: 16 of 1,614,186 alleles (0.00099%); highest among the groups gnomAD compares: East Asian, 0.033%; no homozygotes.

Submission:

Labcorp Genetics (formerly Invitae), Labcorp
Classification: Uncertain significance for DNA ligase IV deficiency. Last evaluated: 2022-06-17. Review status: criteria provided, single submitter. Criteria: Invitae Variant Classification Sherloc (09022015). Collection method: clinical testing. Allele origin: germline.
Comment: This sequence change replaces histidine, which is basic and polar, with glutamine, which is neutral and polar, at codon 862 of the LIG4 protein (p.His862Gln). This variant is present in population databases (rs201115578, gnomAD 0.03%). This variant has not been reported in the literature in individuals affected with LIG4-related conditions. ClinVar contains an entry for this variant (Variation ID: 941378). Algorithms developed to predict the effect of missense changes on protein structure and function are either unavailable or do not agree on the potential impact of this missense change (SIFT: "Tolerated"; PolyPhen-2: "Probably Damaging"; Align-GVGD: "Class C0"). In summary, the available evidence is currently insufficient to determine the role of this variant in disease. Therefore, it has been classified as a Variant of Uncertain Significance.

NM_206937.2(LIG4):c.2586T>A (p.His862Gln)

Gene: LIG4 (DNA ligase 4; minus strand). Cytogenetic location: 13q33.3.
Variant type: single nucleotide variant.
Coding change: c.2586T>A on transcript NM_206937.2 (MANE Select); coding-DNA position 2586, T replaced by A.
Protein change: p.His862Gln; replaces histidine 862 with glutamine.
Molecular consequence: missense variant.
Genome position (GRCh38, 1-based): chr13:108,208,683, A>T on the plus strand (T>A on the coding strand, the complement: LIG4 is on the minus strand). VCF-style: chr13-108208683-A-T. GRCh37 (hg19) VCF-style: chr13-108861031-A-T.
Other names: c.2586T>A, p.His862Gln (NM_002312.3, NM_001098268.2, NM_001352598.2 and 6 more transcripts); c.2385T>A, p.His795Gln (NM_001330595.2); c.2622T>A, p.His874Gln (NM_001352604.2); short protein forms H862Q, H795Q, H874Q.
Identifiers: ClinVar variation 941378 (VCV000941378.7), dbSNP rs201115578, ClinGen allele CA7043467.